The following is an entry in ClinVar:

ClinVar aggregate classification (germline): Likely benign (1 of 4 stars; one submission).

Conditions:
SLC5A7-related disorder. Also called: SLC5A7-related condition.

gnomAD v4.1: 20 of 1,558,722 alleles (0.0013%); highest among the groups gnomAD compares: Admixed American, 0.0041%; no homozygotes.

Submission:

PreventionGenetics, part of Exact Sciences
Classification: Likely benign for SLC5A7-related condition. Last evaluated: 2026-08-26. Review status: criteria provided, single submitter. Criteria: ACMG Guidelines, 2015. Collection method: clinical testing. Allele origin: germline.
Comment: This variant is classified as likely benign based on ACMG/AMP sequence variant interpretation guidelines (Richards et al. 2015 PMID: 25741868, with internal and published modifications).

NM_021815.5(SLC5A7):c.*3C>G

Gene: SLC5A7 (solute carrier family 5 member 7; plus strand). Cytogenetic location: 2q12.3.
Variant type: single nucleotide variant.
Coding change: c.*3C>G on transcript NM_021815.5 (MANE Select); 3 bases downstream of the stop codon, C replaced by G.
Molecular consequence: 3 prime UTR variant.
Genome position (GRCh38, 1-based): chr2:108,010,864, C>G. VCF-style: chr2-108010864-C-G. GRCh37 (hg19) VCF-style: chr2-108627320-C-G.
Other names: c.*3C>G (NM_001305005.3, NM_001305006.3, NM_001305007.3).
Identifiers: ClinVar variation 4988394 (VCV004988394.1).
Genomic context (GRCh38, chr2:108,010,864, plus strand): 5'-CTTCCTTGATGTTGATTCCAGTCCAGAAGGGTCTGGGACTGAAGATAATTTACAGTGACC[C>G]CATCTAAATAAAATACTGCTTTTGCAAACAGAACACTGTAATAGGGTAGTTCTGGAGAGA-3'